The following is an entry in ClinVar:

NM_003072.5(SMARCA4):c.4724G>A (p.Ser1575Asn)

Gene: SMARCA4 (SWI/SNF related BAF chromatin remodeling complex subunit ATPase 4; plus strand). Cytogenetic location: 19p13.2.
Variant type: single nucleotide variant.
Coding change: c.4724G>A on transcript NM_003072.5 (MANE Select); coding-DNA position 4724, G replaced by A.
Protein change: p.Ser1575Asn; replaces serine 1575 with asparagine.
Molecular consequence: missense variant. On other transcripts: non-coding transcript variant (1).
Genome position (GRCh38, 1-based): chr19:11,059,841, G>A. VCF-style: chr19-11059841-G-A. GRCh37 (hg19) VCF-style: chr19-11170517-G-A.
Other names: c.4724G>A, p.Ser1575Asn (NM_001128844.3); c.4634G>A, p.Ser1545Asn (NM_001128845.2); c.4631G>A, p.Ser1544Asn (NM_001128846.2); c.4625G>A, p.Ser1542Asn (NM_001128847.4, NM_001374457.1); c.4622G>A, p.Ser1541Asn (NM_001128848.2); c.4820G>A, p.Ser1607Asn (NM_001128849.3, NM_001387283.1); short protein forms S1607N, S1544N, S1541N, S1542N, S1575N, S1545N.
Identifiers: ClinVar variation 238485 (VCV000238485.19), dbSNP rs878854229, ClinGen allele CA10583760.

ClinVar aggregate classification (germline): Conflicting classifications of pathogenicity. Review status: criteria provided, conflicting classifications (1 of 4 stars). 5 submissions from 5 submitters: Uncertain significance (4); Likely benign (1). Last evaluated 2025-12-17.

Conditions:
Hereditary cancer-predisposing syndrome. Also called: Neoplastic Syndromes, Hereditary; Hereditary neoplastic syndrome; Tumor predisposition; Hereditary Cancer Syndrome. Identifiers: Orphanet 140162, MedGen C0027672, MeSH D009386, MONDO:0015356.
Intellectual disability, autosomal dominant 16 (CSS4). Also called: COFFIN-SIRIS SYNDROME 4. Identifiers: Orphanet 1465, MedGen C3553249, MONDO:0013821, OMIM 614609.
Rhabdoid tumor predisposition syndrome 2 (RTPS2). Identifiers: Orphanet 231108, Orphanet 69077, MedGen C2750074, MONDO:0013224, OMIM 613325.

Allele frequency attached by ClinVar (database versions not stated): gnomAD exomes below 0.00001; TOPMed 0.00001; gnomAD 0.00002.
gnomAD v4.1: 7 of 1,613,796 alleles (0.00043%); highest among the groups gnomAD compares: African/African-American, 0.0013%; no homozygotes.

Submissions (5):

Labcorp Genetics (formerly Invitae), Labcorp
Classification: Uncertain significance for Rhabdoid tumor predisposition syndrome 2. Last evaluated: 2025-12-17. Review status: criteria provided, single submitter. Criteria: Invitae Variant Classification Sherloc (09022015). Collection method: clinical testing. Allele origin: germline.
Comment: This sequence change replaces serine, which is neutral and polar, with asparagine, which is neutral and polar, at codon 1607 of the SMARCA4 protein (p.Ser1607Asn). This variant is not present in population databases (gnomAD no frequency). This variant has not been reported in the literature in individuals affected with SMARCA4-related conditions. ClinVar contains an entry for this variant (Variation ID: 238485). An algorithm developed to predict the effect of missense changes on protein structure and function (PolyPhen-2) suggests that this variant is likely to be tolerated. In summary, the available evidence is currently insufficient to determine the role of this variant in disease. Therefore, it has been classified as a Variant of Uncertain Significance.

Ambry Genetics
Classification: Likely benign for Hereditary cancer-predisposing syndrome. Last evaluated: 2024-01-30. Review status: criteria provided, single submitter. Criteria: Ambry Variant Classification Scheme 2023. Collection method: clinical testing. Allele origin: germline.

GeneDx
Classification: Uncertain significance. Last evaluated: 2022-03-17. Review status: criteria provided, single submitter. Criteria: GeneDx Variant Classification Process June 2021. Collection method: clinical testing. Allele origin: germline. Affected: yes.
Comment: Not observed at significant frequency in large population cohorts (gnomAD); In silico analysis supports that this missense variant does not alter protein structure/function; Has not been previously published as pathogenic or benign to our knowledge; Also known as p.(S1575N), c.4724G>A

Genome-Nilou Lab
Classification: Uncertain significance for Intellectual disability, autosomal dominant 16. Last evaluated: 2021-07-15. Review status: criteria provided, single submitter. Criteria: ACMG Guidelines, 2015. Collection method: clinical testing. Allele origin: germline. Affected: no.

Center for Pediatric Genomic Medicine, Children's Mercy Hospital and Clinics
Classification: Uncertain significance. Last evaluated: 2016-06-27. Review status: criteria provided, single submitter. Criteria: ACMG Guidelines, 2015. Collection method: clinical testing. Allele origin: germline.
ClinVar note: Converted during submission from Uncertain Significance to Uncertain significance.